The following is an entry in ClinVar:

ClinVar aggregate classification (germline): Pathogenic/Likely pathogenic. Review status: criteria provided, multiple submitters, no conflicts (2 of 4 stars). 3 submissions from 3 submitters: Pathogenic (2); Likely pathogenic (1). Last evaluated 2025-12-10.

Conditions:
Glucose-6-phosphate transport defect (GSD1B). Also called: Glycogen Storage Disease Type Ib; GSD Ib. Identifiers: Orphanet 364, Orphanet 79259, MedGen C0268146, MONDO:0009288, OMIM 232220.
Glycogen storage disease, type I. Identifiers: Orphanet 364, MedGen C0017920, MONDO:0002413.

Submissions (3):

Myriad Genetics, Inc.
Classification: Likely pathogenic for Glycogen storage disease, type I. Last evaluated: 2025-12-10. Review status: criteria provided, single submitter. Criteria: Myriad Autosomal Dominant, Autosomal Recessive and X-Linked Classification Criteria (2023). Collection method: clinical testing. Allele origin: unknown.
Comment: NM_001164277.1(SLC37A4):c.785-3_786del5 is a variant in a canonical splice site classified as likely pathogenic in the context of glycogen storage disease type Ib. c.785-3_786del5 has been observed in a case with relevant disease (PMID: 22899091). Relevant functional assessments of this variant are not available in the literature. c.785-3_786del5 has not been observed in referenced population frequency databases. In summary, NM_001164277.1(SLC37A4):c.785-3_786del5 is a variant in a canonical splice site in a gene where loss of function is a known mechanism of disease, is predicted to disrupt protein function, and has been observed more frequently in cases with the relevant disease than in healthy populations. Please note: this variant was assessed in the context of healthy population screening.

GeneDx
Classification: Pathogenic. Last evaluated: 2024-09-06. Review status: criteria provided, single submitter. Criteria: GeneDx Variant Classification Process June 2021. Collection method: clinical testing. Allele origin: germline. Affected: yes.
Comment: Canonical splice site variant predicted to result in a null allele in a gene for which loss-of-function is a known mechanism of disease; Not observed at significant frequency in large population cohorts (gnomAD); This variant is associated with the following publications: (PMID: 22899091)

Labcorp Genetics (formerly Invitae), Labcorp
Classification: Pathogenic for Glucose-6-phosphate transport defect. Last evaluated: 2023-04-24. Review status: criteria provided, single submitter. Criteria: Invitae Variant Classification Sherloc (09022015). Collection method: clinical testing. Allele origin: germline.
Comment: Algorithms developed to predict the effect of sequence changes on RNA splicing suggest that this variant may disrupt the consensus splice site. ClinVar contains an entry for this variant (Variation ID: 1192881). This variant has been observed in individuals with clinical features of glycogen storage disease type Ib (PMID: 22899091; Invitae). This variant is not present in population databases (gnomAD no frequency). This variant results in the deletion of part of exon 7 (c.785-3_786del) of the SLC37A4 gene. It is expected to disrupt RNA splicing. Variants that disrupt the donor or acceptor splice site typically lead to a loss of protein function (PMID: 16199547), and loss-of-function variants in SLC37A4 are known to be pathogenic (PMID: 9758626, 10940311). For these reasons, this variant has been classified as Pathogenic.

Literature cited by the submitters: PubMed 22899091 (cited by Myriad Genetics, Inc. and Labcorp Genetics (formerly Invitae), Labcorp); PubMed 16199547 (cited by Labcorp Genetics (formerly Invitae), Labcorp); PubMed 9758626 (cited by Labcorp Genetics (formerly Invitae), Labcorp); PubMed 10940311 (cited by Labcorp Genetics (formerly Invitae), Labcorp).

NM_001164277.2(SLC37A4):c.786-3_787del

Gene: SLC37A4 (solute carrier family 37 member 4; minus strand). Cytogenetic location: 11q23.3.
Variant type: Deletion.
Coding change: c.786-3_787del on transcript NM_001164277.2 (MANE Select); 3 bases into the intron before coding-DNA position 786 through coding-DNA position 787, 5 bases deleted (CAGGT; older notation c.786-3_787delCAGGT).
Molecular consequence: splice acceptor variant.
Genome position (GRCh38, 1-based): chr11:119,026,687-119,026,691, ACCTG deleted on the plus strand (CAGGT on the coding strand, the reverse complement: SLC37A4 is on the minus strand). VCF-style (leftmost placement, unchanged base first): chr11-119026686-TACCTG-T. GRCh37 (hg19) VCF-style: chr11-118897396-TACCTG-T.
Other names: c.567-3_568del (NM_001164279.2); c.786-3_787del (NM_001467.6, NM_001164278.2, NM_001164280.2).
Identifiers: ClinVar variation 1192881 (VCV001192881.7), dbSNP rs2134633858, ClinGen allele CA2499220797.